The following is an entry in ClinVar:

NM_000431.4(MVK):c.853G>A (p.Ala285Thr)

Gene: MVK (mevalonate kinase; plus strand). Cytogenetic location: 12q24.11.
Variant type: single nucleotide variant.
Coding change: c.853G>A on transcript NM_000431.4 (MANE Select); coding-DNA position 853, G replaced by A.
Protein change: p.Ala285Thr; replaces alanine 285 with threonine.
Molecular consequence: missense variant.
Genome position (GRCh38, 1-based): chr12:109,591,325, G>A. VCF-style: chr12-109591325-G-A. GRCh37 (hg19) VCF-style: chr12-110029130-G-A.
Other names: c.853G>A, p.Ala285Thr (NM_001114185.3, NM_001414511.1, NM_001414513.1); c.697G>A, p.Ala233Thr (NM_001301182.2, NM_001414514.1); c.928G>A, p.Ala310Thr (NM_001414512.1); c.271G>A, p.Ala91Thr (NM_001414515.1); short protein forms A233T, A310T, A91T, A285T.
Identifiers: ClinVar variation 2298641 (VCV002298641.9), dbSNP rs1180664967, ClinGen allele CA386649526.

ClinVar aggregate classification (germline): Uncertain significance. Review status: criteria provided, multiple submitters, no conflicts (2 of 4 stars). 3 submissions from 3 submitters: Uncertain significance (3). Last evaluated 2025-10-01.

Conditions:
Inborn genetic diseases. Identifiers: MedGen C0950123, MeSH D030342.

Allele frequency attached by ClinVar (database versions not stated): gnomAD exomes below 0.00001.

Submissions (3):

CeGaT Center for Human Genetics Tuebingen
Classification: Uncertain significance. Last evaluated: 2025-10-01. Review status: criteria provided, single submitter. Criteria: CeGaT Center For Human Genetics Tuebingen Variant Classification Criteria Version 2. Collection method: clinical testing. Allele origin: germline. Affected: yes. Observed: 1 variant allele.
Comment: MVK: PM2

ARUP Laboratories, Molecular Genetics and Genomics, ARUP Laboratories
Classification: Uncertain significance. Last evaluated: 2024-03-26. Review status: criteria provided, single submitter. Criteria: ARUP Molecular Germline Variant Investigation Process 2024. Collection method: clinical testing. Allele origin: germline.
Comment: The MVK c.853G>A; p.Ala285Thr variant, to our knowledge, is not reported in the medical literature but is reported in ClinVar (Variation ID: 2298641). This variant is also absent from the Genome Aggregation Database (v2.1.1), indicating it is not a common polymorphism. Computational analyses are uncertain whether this variant is neutral or deleterious (REVEL: 0.237). Due to limited information, the clinical significance of this variant is uncertain at this time.

Ambry Genetics
Classification: Uncertain significance for Inborn genetic diseases. Last evaluated: 2022-06-28. Review status: criteria provided, single submitter. Criteria: Ambry Variant Classification Scheme 2023. Collection method: clinical testing. Allele origin: germline.